The following is an entry in ClinVar:

NM_015378.4(VPS13D):c.10340G>A (p.Arg3447Gln)

Gene: VPS13D (vacuolar protein sorting 13 homolog D; plus strand). Cytogenetic location: 1p36.22.
Variant type: single nucleotide variant.
Coding change: c.10340G>A on transcript NM_015378.4 (MANE Select); coding-DNA position 10340, G replaced by A.
Protein change: p.Arg3447Gln; replaces arginine 3447 with glutamine.
Molecular consequence: missense variant.
Genome position (GRCh38, 1-based): chr1:12,363,139, G>A. VCF-style: chr1-12363139-G-A. GRCh37 (hg19) VCF-style: chr1-12423195-G-A.
Other names: c.10265G>A, p.Arg3422Gln (NM_018156.4); short protein forms R3422Q, R3447Q.
Identifiers: ClinVar variation 4754199 (VCV004754199.1).

ClinVar aggregate classification (germline): Uncertain significance (1 of 4 stars; one submission).

gnomAD v4.1: 4 of 1,614,174 alleles (0.00025%); highest among the groups gnomAD compares: South Asian, 0.0011%; no homozygotes.

Submission:

Labcorp Genetics (formerly Invitae), Labcorp
Classification: Uncertain significance. Last evaluated: 2025-07-20. Review status: criteria provided, single submitter. Criteria: Invitae Variant Classification Sherloc (09022015). Collection method: clinical testing. Allele origin: germline.
Comment: This sequence change replaces arginine, which is basic and polar, with glutamine, which is neutral and polar, at codon 3447 of the VPS13D protein (p.Arg3447Gln). This variant is present in population databases (rs775525123, gnomAD 0.0009%). This variant has not been reported in the literature in individuals affected with VPS13D-related conditions. Invitae Evidence Modeling of protein sequence and biophysical properties (such as structural, functional, and spatial information, amino acid conservation, physicochemical variation, residue mobility, and thermodynamic stability) indicates that this missense variant is expected to disrupt VPS13D protein function with a positive predictive value of 80%. In summary, the available evidence is currently insufficient to determine the role of this variant in disease. Therefore, it has been classified as a Variant of Uncertain Significance.